The following is an entry in ClinVar:

ClinVar aggregate classification (germline): Pathogenic (1 of 4 stars; one submission).

Conditions:
Cardiovascular phenotype. Identifiers: MedGen CN230736.

Submission:

Ambry Genetics
Classification: Pathogenic for Cardiovascular phenotype. Last evaluated: 2021-02-03. Review status: criteria provided, single submitter. Criteria: Ambry Variant Classification Scheme 2023. Collection method: clinical testing. Allele origin: germline.
Comment: The c.3273_3280delTGTCGGCAins15 pathogenic mutation, located in coding exon 30 of the MYBPC3 gene, results from the deletion of 8 nucleotides and insertion of 15 nucleotides causing a translational frameshift with a predicted alternate stop codon (p.D1091Efs*60). This alteration is expected to result in loss of function by premature protein truncation or nonsense-mediated mRNA decay. As such, this alteration is interpreted as a disease-causing mutation.

NM_000256.3(MYBPC3):c.3273_3280delinsACTCTGGGGGTACAC (p.Asp1091fs)

Gene: MYBPC3 (myosin binding protein C3; minus strand). Cytogenetic location: 11p11.2.
Variant type: Indel.
Coding change: c.3273_3280delinsACTCTGGGGGTACAC on transcript NM_000256.3 (MANE Select); coding-DNA positions 3273 to 3280, TGTCGGCA replaced by ACTCTGGGGGTACAC.
Protein change: p.Asp1091fs; shifts the reading frame from aspartic acid 1091.
Molecular consequence: frameshift variant.
Genome position (GRCh38, 1-based): chr11:47,333,244-47,333,251, TGCCGACA replaced by GTGTACCCCCAGAGT on the plus strand (TGTCGGCA replaced by ACTCTGGGGGTACAC on the coding strand, the reverse complement: MYBPC3 is on the minus strand). VCF-style: chr11-47333244-TGCCGACA-GTGTACCCCCAGAGT. GRCh37 (hg19) VCF-style: chr11-47354795-TGCCGACA-GTGTACCCCCAGAGT.
Other names: c.3273_3280delTGTCGGCAinsACTCTGGGGGTACAC (NM_000256.3); short protein forms D1091fs.
Identifiers: ClinVar variation 1729638 (VCV001729638.2), dbSNP rs2495740075, ClinGen allele CA2580084224.